The following is an entry in ClinVar:

NM_017617.5(NOTCH1):c.3326G>C (p.Gly1109Ala)

Gene: NOTCH1 (notch receptor 1; minus strand). Cytogenetic location: 9q34.3.
Variant type: single nucleotide variant.
Coding change: c.3326G>C on transcript NM_017617.5 (MANE Select); coding-DNA position 3326, G replaced by C.
Protein change: p.Gly1109Ala; replaces glycine 1109 with alanine.
Molecular consequence: missense variant.
Genome position (GRCh38, 1-based): chr9:136,508,139, C>G on the plus strand (G>C on the coding strand, the complement: NOTCH1 is on the minus strand). VCF-style: chr9-136508139-C-G. GRCh37 (hg19) VCF-style: chr9-139402591-C-G.
Other names: c.3326G>C (NM_017617.3); short protein forms G1109A.
Identifiers: ClinVar variation 1363634 (VCV001363634.9), dbSNP rs772310059, ClinGen allele CA5340958.

ClinVar aggregate classification (germline): Uncertain significance. Review status: criteria provided, multiple submitters, no conflicts (2 of 4 stars). 2 submissions from 2 submitters: Uncertain significance (2). Last evaluated 2025-10-20.

Conditions:
Adams-Oliver syndrome 5 (AOS5). Identifiers: Orphanet 974, MedGen C4014970, MONDO:0014459, OMIM 616028.
Familial thoracic aortic aneurysm and aortic dissection (TAAD). Also called: Thoracic aortic aneurysms and dissections. Identifiers: Orphanet 91387, MedGen C4707243, MONDO:0019625.

Allele frequency attached by ClinVar (database versions not stated): TOPMed below 0.00001; ExAC 0.00001.
gnomAD v4.1: 6 of 1,608,072 alleles (0.00037%); highest among the groups gnomAD compares: Admixed American, 0.01%; no homozygotes.

Submissions (2):

Labcorp Genetics (formerly Invitae), Labcorp
Classification: Uncertain significance for Adams-Oliver syndrome 5. Last evaluated: 2025-10-20. Review status: criteria provided, single submitter. Criteria: Invitae Variant Classification Sherloc (09022015). Collection method: clinical testing. Allele origin: germline.
Comment: This sequence change replaces glycine, which is neutral and non-polar, with alanine, which is neutral and non-polar, at codon 1109 of the NOTCH1 protein (p.Gly1109Ala). This variant is present in population databases (rs772310059, gnomAD 0.006%). This variant has not been reported in the literature in individuals affected with NOTCH1-related conditions. ClinVar contains an entry for this variant (Variation ID: 1363634). An algorithm developed to predict the effect of missense changes on protein structure and function (PolyPhen-2) suggests that this variant is likely to be tolerated. In summary, the available evidence is currently insufficient to determine the role of this variant in disease. Therefore, it has been classified as a Variant of Uncertain Significance.

Ambry Genetics
Classification: Uncertain significance for Familial thoracic aortic aneurysm and aortic dissection. Last evaluated: 2025-08-14. Review status: criteria provided, single submitter. Criteria: Ambry Variant Classification Scheme 2023. Collection method: clinical testing. Allele origin: germline.